The following is an entry in ClinVar:

NM_000240.4(MAOA):c.730G>A (p.Val244Ile)

Gene: MAOA (monoamine oxidase A; plus strand). Cytogenetic location: Xp11.3.
Variant type: single nucleotide variant.
Coding change: c.730G>A on transcript NM_000240.4 (MANE Select); coding-DNA position 730, G replaced by A.
Protein change: p.Val244Ile; replaces valine 244 with isoleucine.
Molecular consequence: missense variant.
Genome position (GRCh38, 1-based): chrX:43,731,325, G>A. VCF-style: chrX-43731325-G-A. GRCh37 (hg19) VCF-style: chrX-43590572-G-A.
Other names: c.331G>A, p.Val111Ile (NM_001270458.2); short protein forms V244I, V111I.
Identifiers: ClinVar variation 431096 (VCV000431096.2), dbSNP rs1135401773, ClinGen allele CA413006738.

ClinVar aggregate classification (germline): Likely pathogenic (1 of 4 stars; one submission).

Conditions:
Brunner syndrome (BRNRS). Identifiers: Orphanet 3057, MedGen C0796275, MONDO:0010379, OMIM 300615.

Submission:

Institute of Human Genetics, FAU Erlangen, Friedrich-Alexander-Universität Erlangen-Nürnberg
Classification: Likely pathogenic for Brunner syndrome. Last evaluated: 2017-08-01. Review status: criteria provided, single submitter. Criteria: ACMG Guidelines, 2015. Collection method: clinical testing. Allele origin: maternal. Inheritance: X-linked recessive inheritance. Affected: yes.
Comment: The variant affects a highly conserved aminoacid which is located in close proximity to the other described missense variants affecting MAOA function.